The following is an entry in ClinVar:

NM_001430.5(EPAS1):c.2470A>G (p.Ser824Gly)

Gene: EPAS1 (endothelial PAS domain protein 1; plus strand). Cytogenetic location: 2p21.
Variant type: single nucleotide variant.
Coding change: c.2470A>G on transcript NM_001430.5 (MANE Select); coding-DNA position 2470, A replaced by G.
Protein change: p.Ser824Gly; replaces serine 824 with glycine.
Molecular consequence: missense variant.
Genome position (GRCh38, 1-based): chr2:46,384,517, A>G. VCF-style: chr2-46384517-A-G. GRCh37 (hg19) VCF-style: chr2-46611656-A-G.
Other names: short protein forms S824G.
Identifiers: ClinVar variation 2626670 (VCV002626670.2), dbSNP rs2546483554, ClinGen allele CA346706947.
Genomic context (GRCh38, chr2:46,384,517, plus strand): 5'-TTCCAAATGTTCGATTTAGGCCTTTAAGTTATGGTACCAACCCTTCTTTCAGGCATGGCA[A>G]GCCGGCTGCTCGGGCCCTCATTTGAGTCCTACCTGCTGCCCGAACTGACCAGATATGACT-3'
Protein context (NP_001421.2, residues 814-834): SSAHKVSGMA[Ser824Gly]RLLGPSFESY

ClinVar aggregate classification (germline): Uncertain significance (1 of 4 stars; one submission).

Conditions:
Inborn genetic diseases. Identifiers: MedGen C0950123, MeSH D030342.

Submission:

Ambry Genetics
Classification: Uncertain significance for Inborn genetic diseases. Last evaluated: 2023-09-10. Review status: criteria provided, single submitter. Criteria: Ambry Variant Classification Scheme 2023. Collection method: clinical testing. Allele origin: germline.
Comment: The p.S824G variant (also known as c.2470A>G), located in coding exon 16 of the EPAS1 gene, results from an A to G substitution at nucleotide position 2470. The serine at codon 824 is replaced by glycine, an amino acid with similar properties. This amino acid position is conserved. In addition, the in silico prediction for this alteration is inconclusive. Since supporting evidence is limited at this time, the clinical significance of this alteration remains unclear.